The following is an entry in ClinVar:

NM_001367624.2(ZNF469):c.1074T>A (p.Pro358=)

Gene: ZNF469 (zinc finger protein 469; plus strand). Cytogenetic location: 16q24.2.
Variant type: single nucleotide variant.
Coding change: c.1074T>A on transcript NM_001367624.2 (MANE Select); coding-DNA position 1074, T replaced by A.
Protein change: p.Pro358=; no amino-acid change (proline 358 retained).
Molecular consequence: synonymous variant.
Genome position (GRCh38, 1-based): chr16:88,428,544, T>A. VCF-style: chr16-88428544-T-A. GRCh37 (hg19) VCF-style: chr16-88494952-T-A.
Identifiers: ClinVar variation 1969952 (VCV001969952.5), dbSNP rs1399057216, ClinGen allele CA497352925.

ClinVar aggregate classification (germline): Uncertain significance (1 of 4 stars; one submission).

gnomAD v4.1: 1 of 1,550,100 alleles (0.000065%); highest among the groups gnomAD compares: Non-Finnish European, 0.000087%; no homozygotes.

Submission:

Labcorp Genetics (formerly Invitae), Labcorp
Classification: Uncertain significance. Last evaluated: 2022-06-09. Review status: criteria provided, single submitter. Criteria: Invitae Variant Classification Sherloc (09022015). Collection method: clinical testing. Allele origin: germline.
Comment: This sequence change affects codon 358 of the ZNF469 mRNA. It is a 'silent' change, meaning that it does not change the encoded amino acid sequence of the ZNF469 protein. This variant has not been reported in the literature in individuals affected with ZNF469-related conditions. In summary, the available evidence is currently insufficient to determine the role of this variant in disease. Therefore, it has been classified as a Variant of Uncertain Significance. Algorithms developed to predict the effect of sequence changes on RNA splicing suggest that this variant may create or strengthen a splice site. This variant is not present in population databases (gnomAD no frequency).